The following is an entry in ClinVar:

ClinVar aggregate classification (germline): Uncertain significance (1 of 4 stars; one submission).

Submission:

GeneDx
Classification: Uncertain significance. Last evaluated: 2016-06-03. Review status: criteria provided, single submitter. Criteria: GeneDx Variant Classification (06012015). Collection method: clinical testing. Allele origin: germline. Affected: yes.
Comment: The c.2055_2057delTCCinsAGG variant in the COL5A2 gene has not been reported previously as a pathogenic variant, nor as a benign variant, to our knowledge. The c.2055_2057delTCCinsAGG variant causes an in-frame deletion of a single Proline residue and replaces this amino acid with a single Glycine residue, denoted p.Pro686Gly. This variant therefore results in a semi-conservative amino acid substitution, which may impact secondary protein structure as these residues differ in some properties. This substitution occurs at a position that is not conserved. In silico analysis predicts this variant is probably damaging to the protein structure/function. The c.2055_2057delTCCinsAGG variant was not observed in approximately 6,500 individuals of European and African American ancestry in the NHLBI Exome Sequencing Project, indicating it is not a common benign variant in these populations. Given the available information, we interpret c.2055_2057delTCCinsAGG as a variant of uncertain significance.

NM_000393.5(COL5A2):c.2055_2057delinsAGG (p.Pro686Gly)

Gene: COL5A2 (collagen type V alpha 2 chain; minus strand). Cytogenetic location: 2q32.2.
Variant type: Indel.
Coding change: c.2055_2057delinsAGG on transcript NM_000393.5 (MANE Select); coding-DNA positions 2055 to 2057, TCC replaced by AGG.
Protein change: p.Pro686Gly; replaces proline 686 with glycine.
Molecular consequence: missense variant.
Genome position (GRCh38, 1-based): chr2:189,060,758-189,060,760, GGA replaced by CCT on the plus strand (TCC replaced by AGG on the coding strand, the reverse complement: COL5A2 is on the minus strand). VCF-style: chr2-189060758-GGA-CCT. GRCh37 (hg19) VCF-style: chr2-189925484-GGA-CCT.
Other names: short protein forms P686G.
Identifiers: ClinVar variation 421397 (VCV000421397.1), dbSNP rs1064795111, ClinGen allele CA16617399.
Genomic context (GRCh38, chr2:189,060,758, plus strand): 5'-AGTGTTGCCATTATTATTATTTAAACACTTACTTGATCACCTGGTTTTCCACCTTCTCCA[GGA>CCT]GGCCCTGGAGGACCAGGAAGCCCCTAAAACAAAAGTAAGAAAATAAAATTGTGAATCTGT-3'
Protein context (NP_000384.2, residues 676-696): FQGLPGPPGP[Pro686Gly]GEGGKPGDQG